The following is an entry in ClinVar:

NM_001814.6(CTSC):c.757+1G>T

Gene: CTSC (cathepsin C; minus strand). Cytogenetic location: 11q14.2.
Variant type: single nucleotide variant.
Coding change: c.757+1G>T on transcript NM_001814.6 (MANE Select); the canonical splice donor site of the intron after coding-DNA position 757, G replaced by T.
Molecular consequence: splice donor variant.
Genome position (GRCh38, 1-based): chr11:88,300,529, C>A on the plus strand (G>T on the coding strand, the complement: CTSC is on the minus strand). VCF-style: chr11-88300529-C-A. GRCh37 (hg19) VCF-style: chr11-88033697-C-A.
Identifiers: ClinVar variation 2921889 (VCV002921889.4), dbSNP rs767396820, ClinGen allele CA382023534.
Genomic context (GRCh38, chr11:88,300,529, plus strand): 5'-AGCAACTGTTCAATAAATAGTTCCAAACAAATTAACAAAAAACTTAGGCTTATTTTTTTA[C>A]CTTGGTTTCGAACAGGACTGACAAAATTGATACCATGAACATTTCTCCAGTCCCAAGATG-3'

ClinVar aggregate classification (germline): Likely pathogenic. Review status: criteria provided, multiple submitters, no conflicts (2 of 4 stars). 2 submissions from 2 submitters: Likely pathogenic (2). Last evaluated 2024-04-06.

Conditions:
Periodontitis, aggressive. Identifiers: MedGen C0031106, MONDO:0980757.
Papillon-Lefèvre syndrome (PALS). Also called: KERATOSIS PALMOPLANTARIS WITH PERIODONTOPATHIA; Papillon-Lefevre Disease. Identifiers: Orphanet 678, MedGen C0030360, MONDO:0009490, OMIM 245000.
Haim-Munk syndrome (HMS). Also called: COCHIN JEWISH DISORDER; KERATOSIS PALMOPLANTARIS WITH PERIODONTOPATHIA AND ONYCHOGRYPOSIS. Identifiers: Orphanet 2342, MedGen C1855627, MONDO:0009491, OMIM 245010.

gnomAD v4.1: 2 of 1,579,146 alleles (0.00013%); highest among the groups gnomAD compares: South Asian, 0.0011%; no homozygotes.

Submissions (2):

Fulgent Genetics
Classification: Likely pathogenic for Periodontitis, aggressive 1; Papillon-Lefèvre syndrome; Haim-Munk syndrome. Last evaluated: 2024-04-06. Review status: criteria provided, single submitter. Criteria: ACMG Guidelines, 2015. Collection method: clinical testing. Allele origin: germline.

Labcorp Genetics (formerly Invitae), Labcorp
Classification: Likely pathogenic for Haim-Munk syndrome; Periodontitis, aggressive; Papillon-Lefèvre syndrome. Last evaluated: 2023-02-14. Review status: criteria provided, single submitter. Criteria: Invitae Variant Classification Sherloc (09022015). Collection method: clinical testing. Allele origin: germline.
Comment: This sequence change affects a donor splice site in intron 5 of the CTSC gene. It is expected to disrupt RNA splicing. Variants that disrupt the donor or acceptor splice site typically lead to a loss of protein function (PMID: 16199547), and loss-of-function variants in CTSC are known to be pathogenic (PMID: 10662808, 11106356, 11886537). This variant is not present in population databases (gnomAD no frequency). This variant has not been reported in the literature in individuals affected with CTSC-related conditions. Algorithms developed to predict the effect of sequence changes on RNA splicing suggest that this variant may disrupt the consensus splice site. In summary, the currently available evidence indicates that the variant is pathogenic, but additional data are needed to prove that conclusively. Therefore, this variant has been classified as Likely Pathogenic.

Literature cited by the submitters: PubMed 16199547 (cited by Labcorp Genetics (formerly Invitae), Labcorp); PubMed 10662808 (cited by Labcorp Genetics (formerly Invitae), Labcorp); PubMed 11106356 (cited by Labcorp Genetics (formerly Invitae), Labcorp); PubMed 11886537 (cited by Labcorp Genetics (formerly Invitae), Labcorp).